The following is an entry in ClinVar:

ClinVar aggregate classification (germline): Conflicting classifications of pathogenicity. Review status: criteria provided, conflicting classifications (1 of 4 stars). 2 submissions from 2 submitters: Likely pathogenic (1); Uncertain significance (1). Last evaluated 2025-09-19.

Conditions:
Autosomal dominant nonsyndromic hearing loss 2A. Also called: Autosomal dominant nonsyndromic deafness 2A; DFNA2 Nonsyndromic Hearing Loss; Deafness, autosomal dominant 2A. Identifiers: Orphanet 90635, MedGen C2677637, MONDO:0010817, OMIM 600101.

Submissions (2):

Victorian Clinical Genetics Services, Murdoch Childrens Research Institute
Classification: Likely pathogenic for Autosomal dominant nonsyndromic hearing loss 2A. Last evaluated: 2025-09-19. Review status: criteria provided, single submitter. Criteria: ACMG Guidelines, 2015. Collection method: clinical testing. Allele origin: germline. Affected: yes.
Comment: This variant is classified as Likely pathogenic. Evidence in support of pathogenic classification: Variant is absent from gnomAD (v2, v3 and v4); This variant has limited evidence for segregation with disease. This variant has been shown to segregate with deafness in a single family (VCGS internal data, Hunter Genetics personal communications); Missense variant predicted to be damaging by in silico tool(s) or highly conserved with a major amino acid change. Additional information: Variant is predicted to result in a missense amino acid change from tryptophan to arginine; This variant is heterozygous; This gene is associated with autosomal dominant disease however rare autosomal recessive families have been reported (PMID:26036578; 31028865); Alternative amino acid change(s) at the same position are present in gnomAD (v4: 1 heterozygote(s), 0 homozygote(s)); This variant has no previous evidence of pathogenicity; No published functional evidence has been identified for this variant; No comparable missense variants have previous evidence for pathogenicity; Variant is located in the annotated voltage-sensing S4 domain (UniProt); Dominant negative and loss of function are known mechanisms of disease in this gene and are associated with autosomal dominant deafness 2A (MIM#600101). Missense variants within the pore domain exert a dominant-negative effect on channel function resulting in progressive severe hearing loss whilst protein truncating variants result in non-functional channels and milder hearing loss (PMID:26036578; 18797286); Inheritance information for this variant is not currently available in this individual.

Blueprint Genetics
Classification: Uncertain significance. Last evaluated: 2019-06-28. Review status: criteria provided, single submitter. Criteria: ACMG Guidelines, 2015. Collection method: clinical testing. Allele origin: germline.

Literature cited by the submitters: PubMed 26036578 (cited by Victorian Clinical Genetics Services, Murdoch Childrens Research Institute).

NM_004700.4(KCNQ4):c.670T>C (p.Trp224Arg)

Gene: KCNQ4 (potassium voltage-gated channel subfamily Q member 4; plus strand). Cytogenetic location: 1p34.2.
Variant type: single nucleotide variant.
Coding change: c.670T>C on transcript NM_004700.4 (MANE Select); coding-DNA position 670, T replaced by C.
Protein change: p.Trp224Arg; replaces tryptophan 224 with arginine.
Molecular consequence: missense variant.
Genome position (GRCh38, 1-based): chr1:40,818,642, T>C. VCF-style: chr1-40818642-T-C. GRCh37 (hg19) VCF-style: chr1-41284314-T-C.
Other names: c.670T>C, p.Trp224Arg (NM_172163.3); short protein forms W224R.
Identifiers: ClinVar variation 1806181 (VCV001806181.4), dbSNP rs2523882381, ClinGen allele CA339894747.